The following is an entry in ClinVar:

NC_012920.1(MT-ND4):m.12122A>G

Gene: MT-ND4 (mitochondrially encoded NADH dehydrogenase 4; plus strand).
Variant type: single nucleotide variant.
Genome position: chrM-12122-A-G.
Identifiers: ClinVar variation 693414 (VCV000693414.1), dbSNP rs1603223553, ClinGen allele CA414812599.

ClinVar aggregate classification (germline): Uncertain significance (1 of 4 stars; one submission).

Conditions:
Leigh syndrome (NULS). Also called: Leigh's necrotizing encephalopathy; Leigh's disease; Leigh Syndrome (mtDNA deletion); Leigh Disease; Subacute necrotizing encephalopathy; Necrotizing encephalopathy infantile subacute of Leigh. Identifiers: Orphanet 506, MedGen C2931891, MONDO:0009723, OMIM 256000.

Submission:

Wong Mito Lab, Molecular and Human Genetics, Baylor College of Medicine
Classification: Uncertain significance for Leigh syndrome. Last evaluated: 2019-10-17. Review status: criteria provided, single submitter. Criteria: Modified ACMG Guidelines (Unpublished). Collection method: clinical testing. Allele origin: germline.
Comment: The NC_012920.1:m.12122A>G (YP_003024035.1:p.Thr455Ala) variant in MTND4 gene is interpretated to be a Uncertain Significance variant based on the modified ACMG guidelines (unpublished). This variant meets the following evidence codes: PP7, BP4